The following is an entry in ClinVar:

NM_022489.4(INF2):c.1914C>G (p.Ser638Arg)

Gene: INF2 (inverted formin 2; plus strand). Cytogenetic location: 14q32.33.
Variant type: single nucleotide variant.
Coding change: c.1914C>G on transcript NM_022489.4 (MANE Select); coding-DNA position 1914, C replaced by G.
Protein change: p.Ser638Arg; replaces serine 638 with arginine.
Molecular consequence: missense variant.
Genome position (GRCh38, 1-based): chr14:104,708,697, C>G. VCF-style: chr14-104708697-C-G. GRCh37 (hg19) VCF-style: chr14-105175034-C-G.
Other names: c.1914C>G, p.Ser638Arg (NM_001031714.4, NM_001426862.1, NM_001426863.1 and 2 more transcripts); short protein forms S638R.
Identifiers: ClinVar variation 2945516 (VCV002945516.3), dbSNP rs2541926360, ClinGen allele CA391219052.

ClinVar aggregate classification (germline): Uncertain significance (1 of 4 stars; one submission).

Conditions:
Charcot-Marie-Tooth disease dominant intermediate E. Also called: CHARCOT-MARIE-TOOTH NEUROPATHY WITH FOCAL SEGMENTAL GLOMERULONEPHRITIS. Identifiers: Orphanet 93114, MedGen C4302667, MONDO:0013758, OMIM 614455.
Focal segmental glomerulosclerosis 5 (FSGS5). Identifiers: Orphanet 656, MedGen C2750475, MONDO:0013191, OMIM 613237.

Submission:

Labcorp Genetics (formerly Invitae), Labcorp
Classification: Uncertain significance for Charcot-Marie-Tooth disease dominant intermediate E; Focal segmental glomerulosclerosis 5. Last evaluated: 2023-03-20. Review status: criteria provided, single submitter. Criteria: Invitae Variant Classification Sherloc (09022015). Collection method: clinical testing. Allele origin: germline.
Comment: In summary, the available evidence is currently insufficient to determine the role of this variant in disease. Therefore, it has been classified as a Variant of Uncertain Significance. This variant has not been reported in the literature in individuals affected with INF2-related conditions. Advanced modeling of protein sequence and biophysical properties (such as structural, functional, and spatial information, amino acid conservation, physicochemical variation, residue mobility, and thermodynamic stability) performed at Invitae indicates that this missense variant is not expected to disrupt INF2 protein function. This sequence change replaces serine, which is neutral and polar, with arginine, which is basic and polar, at codon 638 of the INF2 protein (p.Ser638Arg). This variant is not present in population databases (gnomAD no frequency).